The following is an entry in ClinVar:

ClinVar aggregate classification (germline): Uncertain significance (1 of 4 stars; one submission).

Allele frequency attached by ClinVar (database versions not stated): TOPMed below 0.00001; gnomAD exomes 0.00001.
gnomAD v4.1: 10 of 1,612,786 alleles (0.00062%); highest among the groups gnomAD compares: South Asian, 0.0044%; no homozygotes.

Submission:

Labcorp Genetics (formerly Invitae), Labcorp
Classification: Uncertain significance. Last evaluated: 2024-08-31. Review status: criteria provided, single submitter. Criteria: Invitae Variant Classification Sherloc (09022015). Collection method: clinical testing. Allele origin: germline.
Comment: This sequence change replaces aspartic acid, which is acidic and polar, with asparagine, which is neutral and polar, at codon 487 of the ACTN4 protein (p.Asp487Asn). The frequency data for this variant in the population databases is considered unreliable, as metrics indicate poor data quality at this position in the gnomAD database. This variant has not been reported in the literature in individuals affected with ACTN4-related conditions. Invitae Evidence Modeling of protein sequence and biophysical properties (such as structural, functional, and spatial information, amino acid conservation, physicochemical variation, residue mobility, and thermodynamic stability) indicates that this missense variant is not expected to disrupt ACTN4 protein function with a negative predictive value of 80%. In summary, the available evidence is currently insufficient to determine the role of this variant in disease. Therefore, it has been classified as a Variant of Uncertain Significance.

NM_004924.6(ACTN4):c.1459G>A (p.Asp487Asn)

Gene: ACTN4 (actinin alpha 4; plus strand). Cytogenetic location: 19q13.2.
Variant type: single nucleotide variant.
Coding change: c.1459G>A on transcript NM_004924.6 (MANE Select); coding-DNA position 1459, G replaced by A.
Protein change: p.Asp487Asn; replaces aspartic acid 487 with asparagine.
Molecular consequence: missense variant.
Genome position (GRCh38, 1-based): chr19:38,723,630, G>A. VCF-style: chr19-38723630-G-A. GRCh37 (hg19) VCF-style: chr19-39214270-G-A.
Other names: c.1459G>A, p.Asp487Asn (NM_001322033.2, NM_001411143.1); short protein forms D487N.
Identifiers: ClinVar variation 2799196 (VCV002799196.3), dbSNP rs1451150160, ClinGen allele CA405693031.